The following is an entry in ClinVar:

ClinVar aggregate classification (germline): Benign/Likely benign. Review status: criteria provided, multiple submitters, no conflicts (2 of 4 stars). 2 submissions from 2 submitters: Benign (1); Likely benign (1). Last evaluated 2026-01-12.

Allele frequency attached by ClinVar (database versions not stated): gnomAD exomes 0.00076 and 0.00241; ExAC 0.00115; gnomAD 0.00142 and 0.00170; TOPMed 0.00212; 1000 Genomes Project 30x 0.00500; 1000 Genomes Project 0.00539.
gnomAD v4.1: 1,357 of 1,550,106 alleles (0.088%); highest among the groups gnomAD compares: East Asian, 2.8%; 15 homozygotes.

Submissions (2):

Labcorp Genetics (formerly Invitae), Labcorp
Classification: Benign. Last evaluated: 2026-01-12. Review status: criteria provided, single submitter. Criteria: Invitae Variant Classification Sherloc (09022015). Collection method: clinical testing. Allele origin: germline.

Mayo Clinic Laboratories, Mayo Clinic
Classification: Likely benign. Last evaluated: 2023-11-01. Review status: criteria provided, single submitter. Criteria: ACMG Guidelines, 2015. Collection method: clinical testing. Allele origin: germline. Observed: 3 variant alleles.
Comment: BS1, BP7

NM_005720.4(ARPC1B):c.909G>A (p.Gln303=)

Gene: ARPC1B (actin related protein 2/3 complex subunit 1B; plus strand). Cytogenetic location: 7q22.1.
Variant type: single nucleotide variant.
Coding change: c.909G>A on transcript NM_005720.4 (MANE Select); coding-DNA position 909, G replaced by A.
Protein change: p.Gln303=; no amino-acid change (glutamine 303 retained).
Molecular consequence: synonymous variant.
Genome position (GRCh38, 1-based): chr7:99,392,796, G>A. VCF-style: chr7-99392796-G-A. GRCh37 (hg19) VCF-style: chr7-98990419-G-A.
Other names: p.Gln303=.
Identifiers: ClinVar variation 1165573 (VCV001165573.10), dbSNP rs150559408, ClinGen allele CA4364156.